The following is an entry in ClinVar:

ClinVar aggregate classification (germline): Uncertain significance (1 of 4 stars; one submission).

Submission:

GeneDx
Classification: Uncertain significance. Last evaluated: 2026-09-23. Review status: criteria provided, single submitter. Criteria: GeneDx Variant Classification Process June 2021. Collection method: clinical testing. Allele origin: germline.
Comment: Not observed at significant frequency in large population cohorts (gnomAD); In silico analysis supports that this missense variant has a deleterious effect on protein structure/function; Missense variant in a gene in which most reported pathogenic variants are truncating/loss of function; Has not been previously published as pathogenic or benign to our knowledge

NM_001130438.3(SPTAN1):c.1396T>C (p.Cys466Arg)

Gene: SPTAN1 (spectrin alpha, non-erythrocytic 1; plus strand). Cytogenetic location: 9q34.11.
Variant type: single nucleotide variant.
Coding change: c.1396T>C on transcript NM_001130438.3 (MANE Select); coding-DNA position 1396, T replaced by C.
Protein change: p.Cys466Arg; replaces cysteine 466 with arginine.
Molecular consequence: missense variant.
Genome position (GRCh38, 1-based): chr9:128,580,994, T>C. VCF-style: chr9-128580994-T-C. GRCh37 (hg19) VCF-style: chr9-131343273-T-C.
Other names: c.1396T>C, p.Cys466Arg (NM_001195532.2, NM_001363759.2, NM_001363765.2 and 5 more transcripts); c.1432T>C, p.Cys478Arg (NM_001375312.2, NM_001375318.1); short protein forms C466R, C478R.
Identifiers: ClinVar variation 3774861 (VCV003774861.2).